The following is an entry in ClinVar:

ClinVar aggregate classification (germline): Uncertain significance (1 of 4 stars; one submission).

Conditions:
Dyskeratosis congenita. Identifiers: Orphanet 1775, MedGen C0265965, MONDO:0015780.

Allele frequency attached by ClinVar (database versions not stated): gnomAD exomes below 0.00001.
gnomAD v4.1: 1 of 1,608,274 alleles (0.000062%); highest among the groups gnomAD compares: Non-Finnish European, 0.000085%; no homozygotes.

Submission:

Labcorp Genetics (formerly Invitae), Labcorp
Classification: Uncertain significance for Dyskeratosis congenita. Last evaluated: 2019-10-19. Review status: criteria provided, single submitter. Criteria: Invitae Variant Classification Sherloc (09022015). Collection method: clinical testing. Allele origin: germline.
Comment: In summary, the available evidence is currently insufficient to determine the role of this variant in disease. Therefore, it has been classified as a Variant of Uncertain Significance. This sequence change falls in intron 17 of the CTC1 gene. It does not directly change the encoded amino acid sequence of the CTC1 protein, but it affects a nucleotide within the consensus splice site of the intron. This variant is not present in population databases (ExAC no frequency). This variant has not been reported in the literature in individuals with CTC1-related conditions. ClinVar contains an entry for this variant (Variation ID: 241582). Nucleotide substitutions within the consensus splice site are a relatively common cause of aberrant splicing (PMID: 17576681, 9536098). Algorithms developed to predict the effect of sequence changes on RNA splicing suggest that this variant is not likely to affect RNA splicing, but this prediction has not been confirmed by published transcriptional studies.

Literature cited by the submitters: PubMed 17576681; PubMed 9536098.

NM_025099.6(CTC1):c.2933+3G>A

Gene: CTC1 (CST telomere replication complex component 1; minus strand). Cytogenetic location: 17p13.1.
Variant type: single nucleotide variant.
Coding change: c.2933+3G>A on transcript NM_025099.6 (MANE Select); 3 bases into the intron after coding-DNA position 2933, G replaced by A.
Molecular consequence: intron variant.
Genome position (GRCh38, 1-based): chr17:8,230,291, C>T on the plus strand (G>A on the coding strand, the complement: CTC1 is on the minus strand). VCF-style: chr17-8230291-C-T. GRCh37 (hg19) VCF-style: chr17-8133609-C-T.
Other names: c.2933+3G>A (LRG_1124t1).
Identifiers: ClinVar variation 241582 (VCV000241582.8), dbSNP rs878855127, ClinGen allele CA10583693.